The following is an entry in ClinVar:

ClinVar aggregate classification (germline): Likely benign (1 of 4 stars; one submission).

Submission:

CeGaT Center for Human Genetics Tuebingen
Classification: Likely benign. Last evaluated: 2025-02-01. Review status: criteria provided, single submitter. Criteria: CeGaT Center For Human Genetics Tuebingen Variant Classification Criteria Version 2. Collection method: clinical testing. Allele origin: germline. Affected: yes. Observed: 1 variant allele.
Comment: MUC19: BP4, BS2

NM_173600.2(MUC19):c.22034+7G>A

Gene: MUC19 (mucin 19, oligomeric (gene/pseudogene); plus strand). Cytogenetic location: 12q12.
Variant type: single nucleotide variant.
Coding change: c.22034+7G>A on transcript NM_173600.2; 7 bases into the intron after coding-DNA position 22034, G replaced by A.
Molecular consequence: intron variant.
Genome position (GRCh38, 1-based): chr12:40,536,491, G>A. VCF-style: chr12-40536491-G-A. GRCh37 (hg19) VCF-style: chr12-40930293-G-A.
Identifiers: ClinVar variation 3770604 (VCV003770604.13).
Genomic context (GRCh38, chr12:40,536,491, plus strand): 5'-CTCCTGTAGGCGCTTCTGGTACATCAGGAGGATATGTCCCTGGAAGGGAAACAGGTCAGC[G>A]TGATTTAAACCCTATTCTACTTTGCCTTATAGTAAAAGGGAAACCCAGCAGCAGCACATC-3'